The following is an entry in ClinVar:

ClinVar aggregate classification (germline): Uncertain significance. Review status: criteria provided, multiple submitters, no conflicts (2 of 4 stars). 2 submissions from 2 submitters: Uncertain significance (2). Last evaluated 2025-04-28.

Allele frequency attached by ClinVar (database versions not stated): ExAC 0.00002; TOPMed 0.00006; ESP Exome Variant Server 0.00008; gnomAD 0.00008; 1000 Genomes Project 30x 0.00016; 1000 Genomes Project 0.00020.
gnomAD v4.1: 23 of 1,593,668 alleles (0.0014%); highest among the groups gnomAD compares: African/African-American, 0.029%; no homozygotes.

Submissions (2):

Labcorp Genetics (formerly Invitae), Labcorp
Classification: Uncertain significance. Last evaluated: 2025-04-28. Review status: criteria provided, single submitter. Criteria: Invitae Variant Classification Sherloc (09022015). Collection method: clinical testing. Allele origin: germline.
Comment: This sequence change replaces glycine, which is neutral and non-polar, with cysteine, which is neutral and slightly polar, at codon 11 of the MAPKAPK3 protein (p.Gly11Cys). This variant is present in population databases (rs147044454, gnomAD 0.02%). This variant has not been reported in the literature in individuals affected with MAPKAPK3-related conditions. ClinVar contains an entry for this variant (Variation ID: 933371). An algorithm developed to predict the effect of missense changes on protein structure and function (PolyPhen-2) suggests that this variant is likely to be tolerated. In summary, the available evidence is currently insufficient to determine the role of this variant in disease. Therefore, it has been classified as a Variant of Uncertain Significance.

Ambry Genetics
Classification: Uncertain significance. Last evaluated: 2024-10-06. Review status: criteria provided, single submitter. Criteria: Ambry Variant Classification Scheme 2023. Collection method: clinical testing. Allele origin: germline.

NM_001243925.2(MAPKAPK3):c.31G>T (p.Gly11Cys)

Gene: MAPKAPK3 (MAPK activated protein kinase 3; plus strand). Cytogenetic location: 3p21.2.
Variant type: single nucleotide variant.
Coding change: c.31G>T on transcript NM_001243925.2 (MANE Select); coding-DNA position 31, G replaced by T.
Protein change: p.Gly11Cys; replaces glycine 11 with cysteine.
Molecular consequence: missense variant.
Genome position (GRCh38, 1-based): chr3:50,617,596, G>T. VCF-style: chr3-50617596-G-T. GRCh37 (hg19) VCF-style: chr3-50655027-G-T.
Other names: c.31G>T, p.Gly11Cys (NM_001243926.2, NM_004635.5); c.31G>T (NM_004635.4); short protein forms G11C.
Identifiers: ClinVar variation 933371 (VCV000933371.8), dbSNP rs147044454, ClinGen allele CA2420137.